The following is an entry in ClinVar:

ClinVar aggregate classification (germline): Pathogenic/Likely pathogenic. Review status: criteria provided, multiple submitters, no conflicts (2 of 4 stars). 3 submissions from 3 submitters: Pathogenic (1); Likely pathogenic (2). Last evaluated 2025-08-11.

Conditions:
Primary ciliary dyskinesia. Also called: Ciliary dyskinesia. Identifiers: Orphanet 244, MedGen C0008780, MONDO:0016575, HP:0012265.
Primary ciliary dyskinesia 3. Identifiers: Orphanet 244, MedGen C1837618, MONDO:0012085, OMIM 608644.

Allele frequency attached by ClinVar (database versions not stated): TOPMed 0.00001.
gnomAD v4.1: 23 of 1,613,896 alleles (0.0014%); highest among the groups gnomAD compares: Non-Finnish European, 0.0019%; no homozygotes.

Submissions (3):

Natera, Inc.
Classification: Likely pathogenic for Primary ciliary dyskinesia. Last evaluated: 2025-08-11. Review status: criteria provided, single submitter. Criteria: Natera Variant Classification Schema (03/2026). Collection method: clinical testing. Allele origin: germline.
Comment: The c.12631G>T variant in DNAH5 is a nonsense variant predicted to introduce a stop codon at amino acid 4211. This variant is expected to result in nonsense mediated decay, truncation, or a dysfunctional protein product. This variant is rare in the general population with a frequency below the threshold expected for the associated phenotype(s). Given the available evidence, this variant is classified as Likely Pathogenic.

Fulgent Genetics
Classification: Likely pathogenic for Primary ciliary dyskinesia 3. Last evaluated: 2024-03-14. Review status: criteria provided, single submitter. Criteria: ACMG Guidelines, 2015. Collection method: clinical testing. Allele origin: germline.

Labcorp Genetics (formerly Invitae), Labcorp
Classification: Pathogenic for Primary ciliary dyskinesia. Last evaluated: 2023-09-17. Review status: criteria provided, single submitter. Criteria: Invitae Variant Classification Sherloc (09022015). Collection method: clinical testing. Allele origin: germline.
Comment: For these reasons, this variant has been classified as Pathogenic. ClinVar contains an entry for this variant (Variation ID: 660339). This premature translational stop signal has been observed in individual(s) with primary ciliary dyskinesia (Invitae). This variant is not present in population databases (gnomAD no frequency). This sequence change creates a premature translational stop signal (p.Glu4211*) in the DNAH5 gene. It is expected to result in an absent or disrupted protein product. Loss-of-function variants in DNAH5 are known to be pathogenic (PMID: 11788826, 16627867).

Literature cited by the submitters: PubMed 11788826 (cited by Labcorp Genetics (formerly Invitae), Labcorp); PubMed 16627867 (cited by Labcorp Genetics (formerly Invitae), Labcorp).

NM_001369.3(DNAH5):c.12631G>T (p.Glu4211Ter)

Gene: DNAH5 (dynein axonemal heavy chain 5; minus strand). Cytogenetic location: 5p15.2.
Variant type: single nucleotide variant.
Coding change: c.12631G>T on transcript NM_001369.3 (MANE Select); coding-DNA position 12631, G replaced by T.
Protein change: p.Glu4211Ter; replaces glutamic acid 4211 with a stop codon.
Molecular consequence: nonsense.
Genome position (GRCh38, 1-based): chr5:13,717,389, C>A on the plus strand (G>T on the coding strand, the complement: DNAH5 is on the minus strand). VCF-style: chr5-13717389-C-A. GRCh37 (hg19) VCF-style: chr5-13717498-C-A.
Other names: short protein forms E4211*.
Identifiers: ClinVar variation 660339 (VCV000660339.9), dbSNP rs762673561, ClinGen allele CA359206981.